The following is an entry in ClinVar:

NM_004360.5(CDH1):c.164T>C (p.Val55Ala)

Gene: CDH1 (cadherin 1; plus strand). Cytogenetic location: 16q22.1.
Variant type: single nucleotide variant.
Coding change: c.164T>C on transcript NM_004360.5 (MANE Select); coding-DNA position 164, T replaced by C.
Protein change: p.Val55Ala; replaces valine 55 with alanine.
Molecular consequence: missense variant. On other transcripts: 5 prime UTR variant (2).
Genome position (GRCh38, 1-based): chr16:68,801,670, T>C. VCF-style: chr16-68801670-T-C. GRCh37 (hg19) VCF-style: chr16-68835573-T-C.
Other names: c.164T>C (LRG_301t1, NM_004360.4); c.164T>C, p.Val55Ala (NM_001317184.2); c.-1452T>C (NM_001317185.2); c.-1656T>C (NM_001317186.2); short protein forms V55A.
Identifiers: ClinVar variation 406619 (VCV000406619.15), dbSNP rs587778174, ClinGen allele CA8129808.

ClinVar aggregate classification (germline): Uncertain significance. Review status: criteria provided, multiple submitters, no conflicts (2 of 4 stars). 4 submissions from 4 submitters: Uncertain significance (4). Last evaluated 2025-01-06.

Conditions:
Hereditary cancer-predisposing syndrome. Also called: Tumor predisposition; Neoplastic Syndromes, Hereditary; Hereditary Cancer Syndrome; Hereditary neoplastic syndrome. Identifiers: Orphanet 140162, MedGen C0027672, MeSH D009386, MONDO:0015356.
Hereditary diffuse gastric adenocarcinoma (HDGC). Also called: DIFFUSE GASTRIC AND LOBULAR BREAST CANCER SYNDROME. Identifiers: Orphanet 26106, MedGen C1708349, MONDO:0007648, OMIM 137215.

gnomAD v4.1: 3 of 1,612,544 alleles (0.00019%); highest among the groups gnomAD compares: South Asian, 0.0033%; no homozygotes.

Submissions (4):

Labcorp Genetics (formerly Invitae), Labcorp
Classification: Uncertain significance for Hereditary diffuse gastric adenocarcinoma. Last evaluated: 2025-01-06. Review status: criteria provided, single submitter. Criteria: Invitae Variant Classification Sherloc (09022015). Collection method: clinical testing. Allele origin: germline.
Comment: This sequence change replaces valine, which is neutral and non-polar, with alanine, which is neutral and non-polar, at codon 55 of the CDH1 protein (p.Val55Ala). This variant is present in population databases (rs587778174, gnomAD 0.003%). This missense change has been observed in individual(s) with breast cancer (PMID: 25186627). ClinVar contains an entry for this variant (Variation ID: 406619). An algorithm developed to predict the effect of missense changes on protein structure and function (PolyPhen-2) suggests that this variant is likely to be disruptive. In summary, the available evidence is currently insufficient to determine the role of this variant in disease. Therefore, it has been classified as a Variant of Uncertain Significance.

Ambry Genetics
Classification: Uncertain significance for Hereditary cancer-predisposing syndrome. Last evaluated: 2024-04-15. Review status: criteria provided, single submitter. Criteria: Ambry Variant Classification Scheme 2023. Collection method: clinical testing. Allele origin: germline.
Comment: The p.V55A variant (also known as c.164T>C) is located in coding exon 3 of the CDH1 gene. The valine at codon 55 is replaced by alanine, an amino acid with similar properties. This change occurs in the first base pair of coding exon 3. This variant has been observed in an individuals with a personal and/or family history of breast cancer (Tung N et al. Cancer, 2015 Jan;121:25-33; Garcia-Pelaez J et al. Lancet Oncol, 2023 Jan;24:91-106). This amino acid position is highly conserved in available vertebrate species. In addition, the in silico prediction for this alteration is inconclusive. Based on the available evidence, the clinical significance of this variant remains unclear.

Color Diagnostics, LLC DBA Color Health
Classification: Uncertain significance for Hereditary cancer-predisposing syndrome. Last evaluated: 2023-02-07. Review status: criteria provided, single submitter. Criteria: ACMG Guidelines, 2015. Collection method: clinical testing. Allele origin: germline.
Comment: This missense variant replaces valine with alanine at codon 55 of the CDH1 protein. To our knowledge, functional studies have not been reported for this variant. This variant has been reported in individuals affected with breast cancer in the literature (PMID: 25186627, 36436516). This variant has been identified in 1/251390 chromosomes in the general population by the Genome Aggregation Database (gnomAD). The available evidence is insufficient to determine the role of this variant in disease conclusively. Therefore, this variant is classified as a Variant of Uncertain Significance.

European Reference Network on Genetic Tumour Risk Syndromes (ERN-GENTURIS), i3s - Instituto de Investigação e Inovação em Saúde, University of Porto
Classification: Uncertain significance for Hereditary diffuse gastric adenocarcinoma. Last evaluated: 2022-08-01. Review status: criteria provided, single submitter. Criteria: Lee et al. (Hum Mutat. 2018). Collection method: clinical testing. Allele origin: germline. Inheritance: Autosomal dominant inheritance. Affected: no. Study: ERN GENTURIS.
Comment: PM2 (PMID: 30311375)

Literature cited by the submitters: PubMed 25186627 (cited by 3 submitters); PubMed 36436516 (cited by 3 submitters).